The following is an entry in ClinVar:

ClinVar aggregate classification (germline): Likely benign (0 of 4 stars; one submission).

Conditions:
KIRREL1-related disorder. Also called: KIRREL1-related condition.

Allele frequency attached by ClinVar (database versions not stated): gnomAD exomes 0.00020; ExAC 0.00064; 1000 Genomes Project 30x 0.00156; 1000 Genomes Project 0.00180; gnomAD 0.00183; TOPMed 0.00218; ESP Exome Variant Server 0.00238.
gnomAD v4.1: 569 of 1,610,964 alleles (0.035%); highest among the groups gnomAD compares: African/African-American, 0.67%; 2 homozygotes.

Submission:

PreventionGenetics, part of Exact Sciences
Classification: Likely benign for KIRREL1-related condition. Last evaluated: 2022-08-07. Review status: no assertion criteria provided. Collection method: clinical testing. Allele origin: germline.
Comment: This variant is classified as likely benign based on ACMG/AMP sequence variant interpretation guidelines (Richards et al. 2015 PMID: 25741868, with internal and published modifications).

NM_018240.7(KIRREL1):c.1845G>A (p.Pro615=)

Gene: KIRREL1 (kirre like nephrin family adhesion molecule 1; plus strand). Cytogenetic location: 1q23.1.
Variant type: single nucleotide variant.
Coding change: c.1845G>A on transcript NM_018240.7 (MANE Select); coding-DNA position 1845, G replaced by A.
Protein change: p.Pro615=; no amino-acid change (proline 615 retained).
Molecular consequence: synonymous variant.
Genome position (GRCh38, 1-based): chr1:158,094,691, G>A. VCF-style: chr1-158094691-G-A. GRCh37 (hg19) VCF-style: chr1-158064481-G-A.
Other names: c.1545G>A, p.Pro515= (NM_001286349.2).
Identifiers: ClinVar variation 3040875 (VCV003040875.2), dbSNP rs138219114, ClinGen allele CA1177820.